The following is an entry in ClinVar:

ClinVar aggregate classification (germline): Uncertain significance. Review status: criteria provided, multiple submitters, no conflicts (2 of 4 stars). 2 submissions from 2 submitters: Uncertain significance (2). Last evaluated 2026-06-11.

Conditions:
Developmental and epileptic encephalopathy, 1 (DEE1). Also called: X-linked infantile spasms; West's syndrome; Tonic spasms with clustering, arrest of psychomotor development and hypsarrhythmia on EEG; X-Linked Infantile Spasm Syndrome; INFANTILE SPASM SYNDROME, X-LINKED 1; OHTAHARA SYNDROME, X-LINKED. Identifiers: MedGen C3463992, MONDO:0010632, OMIM 308350. Disease mechanism: loss of function.
Intellectual disability, X-linked, with or without seizures, ARX-related. Also called: Mental retardation, X-linked 52; MENTAL RETARDATION, X-LINKED 29; MENTAL RETARDATION, X-LINKED 32; MENTAL RETARDATION, X-LINKED 33; MENTAL RETARDATION, X-LINKED 38; MENTAL RETARDATION, X-LINKED 43. Identifiers: Orphanet 777, MedGen C0796244, MONDO:0010317, OMIM 300419.

Submissions (2):

Women's Health and Genetics/Laboratory Corporation of America, LabCorp
Classification: Uncertain significance. Last evaluated: 2026-06-11. Review status: criteria provided, single submitter. Criteria: LabCorp Variant Classification Summary - May 2015. Collection method: clinical testing. Allele origin: germline.
Comment: Variant summary: ARX c.321_341del21 (p.Ala109_Ala115del) results in an in-frame deletion that is predicted to remove 7 amino acids from the first polyA (poly-alanine) repeat track of the encoded protein. The variant allele was found at a frequency of 9.2e-06 in 764195 control chromosomes in the gnomAD database (v4.1 dataset), including 3 hemizygotes. The available data on variant occurrences in the general population are insufficient to allow any conclusion about variant significance. To our knowledge, no occurrence of c.321_341del21 in individuals affected with ARX-related conditions and no experimental evidence demonstrating its impact on protein function have been reported. Different in-frame deletions resulting in poly-alanine repeat track contractions have been reported in affected individuals, however no compelling evidence for causality has been provided (e.g. PMIDs 26029707, 21204226). ClinVar contains an entry for this variant (Variation ID: 540220). Based on the evidence outlined above, the variant was classified as uncertain significance.

Labcorp Genetics (formerly Invitae), Labcorp
Classification: Uncertain significance for Developmental and epileptic encephalopathy, 1; Intellectual disability, X-linked, with or without seizures, ARX-related. Last evaluated: 2025-01-06. Review status: criteria provided, single submitter. Criteria: Invitae Variant Classification Sherloc (09022015). Collection method: clinical testing. Allele origin: germline.
Comment: This variant, c.321_341del, results in the deletion of 7 amino acid(s) of the ARX protein (p.Ala109_Ala115del), but otherwise preserves the integrity of the reading frame. The frequency data for this variant in the population databases is considered unreliable, as metrics indicate insufficient coverage at this position in the gnomAD database. This variant has not been reported in the literature in individuals affected with ARX-related conditions. ClinVar contains an entry for this variant (Variation ID: 540220). Experimental studies and prediction algorithms are not available or were not evaluated, and the functional significance of this variant is currently unknown. In summary, the available evidence is currently insufficient to determine the role of this variant in disease. Therefore, it has been classified as a Variant of Uncertain Significance.

Literature cited by the submitters: PubMed 21204226 (cited by Women's Health and Genetics/Laboratory Corporation of America, LabCorp); PubMed 26029707 (cited by Women's Health and Genetics/Laboratory Corporation of America, LabCorp).

NM_139058.3(ARX):c.321_341del (p.Ala109_Ala115del)

Genes: ARX (aristaless related homeobox; minus strand), LOC109610631 (aristaless related homeobox polyalanine expansion region; plus strand). Cytogenetic location: Xp21.3.
Variant type: Deletion.
Coding change: c.321_341del on transcript NM_139058.3 (MANE Select); coding-DNA positions 321 to 341, 21 bases deleted (GGCGGCGGCGGCGGCAGCGGC).
Protein change: p.Ala109_Ala115del.
Molecular consequence: inframe deletion.
Genome position (GRCh38, 1-based): chrX:25,013,654-25,013,674, GCCGCTGCCGCCGCCGCCGCC deleted on the plus strand (GGCGGCGGCGGCGGCAGCGGC on the coding strand, the reverse complement: ARX is on the minus strand); deleting any 21 consecutive bases within chrX:25,013,654-25,013,679 gives the same sequence; the c. name uses the placement nearest the transcript's 3' end. VCF-style (leftmost placement, unchanged base first): chrX-25013653-GGCCGCTGCCGCCGCCGCCGCC-G. GRCh37 (hg19) VCF-style: chrX-25031770-GGCCGCTGCCGCCGCCGCCGCC-G.
Other names: c.321_341del21 (NM_139058.3).
Identifiers: ClinVar variation 540220 (VCV000540220.9), dbSNP rs1470521514, ClinGen allele CA658799628.